The following is an entry in ClinVar:

ClinVar aggregate classification (germline): Uncertain significance (1 of 4 stars; one submission).

gnomAD v4.1: 8 of 1,614,036 alleles (0.0005%); highest among the groups gnomAD compares: South Asian, 0.0011%; no homozygotes.

Submission:

Dasa
Classification: Uncertain significance. Last evaluated: 2026-08-04. Review status: criteria provided, single submitter. Criteria: DASA Assertion Criteria. Collection method: clinical testing. Allele origin: germline.
Comment: NM_175607.3(CNTN4):c.2560C>T (p.Arg854*) is a nonsense variant in CNTN4 predicted to introduce a premature termination codon. This variant is rare in population databases. The currently available literature and clinical evidence are not sufficient to establish a definitive association between this variant and the reported condition. Therefore, this variant is classified as a variant of uncertain significance.

NM_175607.3(CNTN4):c.2560C>T (p.Arg854Ter)

Genes: CNTN4 (contactin 4; plus strand), CNTN4-AS1 (CNTN4 antisense RNA 1; minus strand). Cytogenetic location: 3p26.2.
Variant type: single nucleotide variant.
Coding change: c.2560C>T on transcript NM_175607.3 (MANE Select); coding-DNA position 2560, C replaced by T.
Protein change: p.Arg854Ter; replaces arginine 854 with a stop codon.
Molecular consequence: nonsense.
Genome position (GRCh38, 1-based): chr3:3,043,025, C>T. VCF-style: chr3-3043025-C-T. GRCh37 (hg19) VCF-style: chr3-3084709-C-T.
Other names: c.2560C>T, p.Arg854Ter (NM_001206955.2, NM_001350095.2); c.1573C>T, p.Arg525Ter (NM_001206956.2); c.1576C>T, p.Arg526Ter (NM_175613.3); short protein forms R525*, R526*, R854*.
Identifiers: ClinVar variation 5020711 (VCV005020711.1).